The following is an entry in ClinVar:

ClinVar aggregate classification (germline): Benign. Review status: criteria provided, multiple submitters, no conflicts (2 of 4 stars). 2 submissions from 2 submitters: Benign (2). Last evaluated 2018-01-13.

Conditions:
Progressive myositis ossificans (FOP). Also called: Myositis ossificans progressiva; Progressive ossifying myositis; Fibrodysplasia Ossificans Progressiva. Identifiers: Orphanet 337, MedGen C0016037, MONDO:0007606, OMIM 135100.

Allele frequency attached by ClinVar (database versions not stated): gnomAD exomes 0.30170; 1000 Genomes Project 0.43031; gnomAD 0.43725 and 0.45193; 1000 Genomes Project 30x 0.44004; TOPMed 0.46303.
gnomAD v4.1: 122,488 of 336,656 alleles (36%); highest among the groups gnomAD compares: African/African-American, 84%; 28,947 homozygotes.

Submissions (2):

Illumina Laboratory Services, Illumina
Classification: Benign for Progressive myositis ossificans. Last evaluated: 2018-01-13. Review status: criteria provided, single submitter. Criteria: ICSL Variant Classification Criteria 13 December 2019. Collection method: clinical testing. Allele origin: germline.
Comment: This variant was observed in the ICSL laboratory as part of a predisposition screen in an ostensibly healthy population. It had not been previously curated by ICSL or reported in the Human Gene Mutation Database (HGMD: prior to June 1st, 2018), and was therefore a candidate for classification through an automated scoring system. Utilizing variant allele frequency, disease prevalence and penetrance estimates, and inheritance mode, an automated score was calculated to assess if this variant is too frequent to cause the disease. Based on the score and internal cut-off values, a variant classified as benign is not then subjected to further curation. The score for this variant resulted in a classification of benign for this disease.

Breakthrough Genomics
Classification: Benign. Review status: criteria provided, single submitter. Criteria: ACMG Guidelines, 2015. Collection method: not provided. Allele origin: germline. Inheritance: Autosomal dominant inheritance. Affected: yes.

NM_001111067.4(ACVR1):c.*686T>C

Gene: ACVR1 (activin A receptor type 1; minus strand). Cytogenetic location: 2q24.1.
Variant type: single nucleotide variant.
Coding change: c.*686T>C on transcript NM_001111067.4 (MANE Select); 686 bases downstream of the stop codon, T replaced by C.
Molecular consequence: 3 prime UTR variant.
Genome position (GRCh38, 1-based): chr2:157,736,845, A>G on the plus strand (T>C on the coding strand, the complement: ACVR1 is on the minus strand). VCF-style: chr2-157736845-A-G. GRCh37 (hg19) VCF-style: chr2-158593357-A-G.
Other names: c.*686T>C (NM_001105.5, NM_001347663.1, NM_001347664.1 and 3 more transcripts).
Identifiers: ClinVar variation 331676 (VCV000331676.6), dbSNP rs12997, ClinGen allele CA10612380.